The following is an entry in ClinVar:

ClinVar aggregate classification (germline): Benign. Review status: criteria provided, multiple submitters, no conflicts (2 of 4 stars). 13 submissions from 13 submitters: Benign (11). 2 of the submissions do not count toward it. Last evaluated 2026-08-01.

Conditions:
Familial temporal lobe epilepsy 7. Identifiers: Orphanet 101046, MedGen C4225327, MONDO:0014639, OMIM 616436.
Norman-Roberts syndrome (LIS2). Also called: Lissencephaly 2 (Norman-Roberts type). Identifiers: Orphanet 89844, MedGen C0796089, MONDO:0009760, OMIM 257320.

Allele frequency attached by ClinVar (database versions not stated): 1000 Genomes Project 30x 0.01640; 1000 Genomes Project 0.01717; TOPMed 0.02092; gnomAD 0.02229 and 0.02252; ESP Exome Variant Server 0.02345; ExAC 0.02499; gnomAD exomes 0.02547 and 0.03122.
gnomAD v4.1: 48,716 of 1,611,042 alleles (3%); highest among the groups gnomAD compares: Non-Finnish European, 3.4%; 806 homozygotes.

Submissions (13):

CeGaT Center for Human Genetics Tuebingen
Classification: Benign. Last evaluated: 2026-08-01. Review status: criteria provided, single submitter. Criteria: CeGaT Center For Human Genetics Tuebingen Variant Classification Criteria Version 2. Collection method: clinical testing. Allele origin: germline. Affected: yes. Observed: 160 variant alleles.
Comment: RELN: BS1, BS2

Labcorp Genetics (formerly Invitae), Labcorp
Classification: Benign for Familial temporal lobe epilepsy 7; Norman-Roberts syndrome. Last evaluated: 2026-02-03. Review status: criteria provided, single submitter. Criteria: Invitae Variant Classification Sherloc (09022015). Collection method: clinical testing. Allele origin: germline.

ARUP Laboratories, Molecular Genetics and Genomics, ARUP Laboratories
Classification: Benign. Last evaluated: 2025-04-18. Review status: criteria provided, single submitter. Criteria: ARUP Molecular Germline Variant Investigation Process 2024. Collection method: clinical testing. Allele origin: germline.

Blueprint Genetics
Classification: Benign. Last evaluated: 2024-11-27. Review status: criteria provided, single submitter. Criteria: ACMG Guidelines, 2015. Collection method: clinical testing. Allele origin: germline.

Mayo Clinic Laboratories, Mayo Clinic
Classification: Benign. Last evaluated: 2018-07-17. Review status: criteria provided, single submitter. Criteria: ACMG Guidelines, 2015. Collection method: clinical testing. Allele origin: germline. Observed: 20 variant alleles.

Athena Diagnostics
Classification: Benign. Last evaluated: 2018-05-07. Review status: criteria provided, single submitter. Criteria: Athena Diagnostics Criteria. Collection method: clinical testing. Allele origin: germline.

Illumina Laboratory Services, Illumina
Classification: Benign for Norman-Roberts syndrome. Last evaluated: 2018-01-13. Review status: criteria provided, single submitter. Criteria: ICSL Variant Classification Criteria 13 December 2019. Collection method: clinical testing. Allele origin: germline.
Comment: This variant was observed in the ICSL laboratory as part of a predisposition screen in an ostensibly healthy population. It had not been previously curated by ICSL or reported in the Human Gene Mutation Database (HGMD: prior to June 1st, 2018), and was therefore a candidate for classification through an automated scoring system. Utilizing variant allele frequency, disease prevalence and penetrance estimates, and inheritance mode, an automated score was calculated to assess if this variant is too frequent to cause the disease. Based on the score and internal cut-off values, a variant classified as benign is not then subjected to further curation. The score for this variant resulted in a classification of benign for this disease.

GeneDx
Classification: Benign. Last evaluated: 2013-12-21. Review status: criteria provided, single submitter. Criteria: GeneDx Variant Classification (06012015). Collection method: clinical testing. Allele origin: germline. Affected: yes.
Comment: This variant is considered likely benign or benign based on one or more of the following criteria: it is a conservative change, it occurs at a poorly conserved position in the protein, it is predicted to be benign by multiple in silico algorithms, and/or has population frequency not consistent with disease.

Genetic Services Laboratory, University of Chicago
Classification: Benign for AllHighlyPenetrant. Last evaluated: 2013-08-15. Review status: criteria provided, single submitter. Criteria: ACMG Guidelines, 2007. Collection method: clinical testing. Allele origin: germline. Inheritance: Autosomal recessive inheritance.

Breakthrough Genomics
Classification: Benign. Review status: criteria provided, single submitter. Criteria: ACMG Guidelines, 2015. Collection method: not provided. Allele origin: germline. Inheritance: Autosomal recessive inheritance. Affected: yes.

PreventionGenetics, part of Exact Sciences
Classification: Benign. Review status: criteria provided, single submitter. Criteria: ACMG Guidelines, 2015. Collection method: clinical testing. Allele origin: germline.

Clinical Genetics DNA and cytogenetics Diagnostics Lab, Erasmus MC, Erasmus Medical Center
Classification: Benign. Review status: no assertion criteria provided. Collection method: clinical testing. Allele origin: germline. Affected: yes. Study: VKGL Data-share Consensus. Not counted in ClinVar's aggregate classification.

Clinical Genetics, Academic Medical Center
Classification: Benign. Review status: no assertion criteria provided. Collection method: clinical testing. Allele origin: germline. Affected: yes. Study: VKGL Data-share Consensus. Not counted in ClinVar's aggregate classification.

Literature cited by the submitters: PubMed 20697953 (cited by Athena Diagnostics); PubMed 14515139 (cited by Athena Diagnostics).

NM_005045.4(RELN):c.1888A>C (p.Ser630Arg)

Gene: RELN (reelin; minus strand). Cytogenetic location: 7q22.1.
Variant type: single nucleotide variant.
Coding change: c.1888A>C on transcript NM_005045.4 (MANE Select); coding-DNA position 1888, A replaced by C.
Protein change: p.Ser630Arg; replaces serine 630 with arginine.
Molecular consequence: missense variant.
Genome position (GRCh38, 1-based): chr7:103,651,665, T>G on the plus strand (A>C on the coding strand, the complement: RELN is on the minus strand). VCF-style: chr7-103651665-T-G. GRCh37 (hg19) VCF-style: chr7-103292112-T-G.
Other names: p.S630R:AGT>CGT; p.Ser630Arg; c.1888A>C, p.Ser630Arg (NM_173054.3); short protein forms S630R.
Identifiers: ClinVar variation 130116 (VCV000130116.58), dbSNP rs115734214, ClinGen allele CA154910.